The following is an entry in ClinVar:

ClinVar aggregate classification (germline): Uncertain significance. Review status: criteria provided, multiple submitters, no conflicts (2 of 4 stars). 3 submissions from 3 submitters: Uncertain significance (2). 1 of the submissions does not count toward it. Last evaluated 2024-06-04.

Conditions:
Schimke immuno-osseous dysplasia (SIOD). Also called: Schimke Immunoosseous Dysplasia. Identifiers: Orphanet 1830, MedGen C0877024, MONDO:0009458, OMIM 242900.

Allele frequency attached by ClinVar (database versions not stated): gnomAD exomes 0.00002 and 0.00003; ExAC 0.00003; gnomAD 0.00003; TOPMed 0.00003; ESP Exome Variant Server 0.00008.
gnomAD v4.1: 54 of 1,614,078 alleles (0.0033%); highest among the groups gnomAD compares: Non-Finnish European, 0.0044%; no homozygotes.

Submissions (3):

Fulgent Genetics
Classification: Uncertain significance for Schimke immuno-osseous dysplasia. Last evaluated: 2024-06-04. Review status: criteria provided, single submitter. Criteria: ACMG Guidelines, 2015. Collection method: clinical testing. Allele origin: germline.

Labcorp Genetics (formerly Invitae), Labcorp
Classification: Uncertain significance for Schimke immuno-osseous dysplasia. Last evaluated: 2022-07-26. Review status: criteria provided, single submitter. Criteria: Invitae Variant Classification Sherloc (09022015). Collection method: clinical testing. Allele origin: germline.
Comment: This sequence change replaces valine, which is neutral and non-polar, with methionine, which is neutral and non-polar, at codon 433 of the SMARCAL1 protein (p.Val433Met). This variant is present in population databases (rs374696042, gnomAD 0.004%). This variant has not been reported in the literature in individuals affected with SMARCAL1-related conditions. ClinVar contains an entry for this variant (Variation ID: 652582). Algorithms developed to predict the effect of missense changes on protein structure and function are either unavailable or do not agree on the potential impact of this missense change (SIFT: "Tolerated"; PolyPhen-2: "Possibly Damaging"; Align-GVGD: "Class C0"). In summary, the available evidence is currently insufficient to determine the role of this variant in disease. Therefore, it has been classified as a Variant of Uncertain Significance.

Natera, Inc.
Classification: Uncertain significance for Schimke immuno-osseous dysplasia. Last evaluated: 2020-09-16. Review status: no assertion criteria provided. Collection method: clinical testing. Allele origin: germline. Not counted in ClinVar's aggregate classification.

NM_014140.4(SMARCAL1):c.1297G>A (p.Val433Met)

Gene: SMARCAL1 (SNF2 related chromatin remodeling annealing helicase 1; plus strand). Cytogenetic location: 2q35.
Variant type: single nucleotide variant.
Coding change: c.1297G>A on transcript NM_014140.4 (MANE Select); coding-DNA position 1297, G replaced by A.
Protein change: p.Val433Met; replaces valine 433 with methionine.
Molecular consequence: missense variant.
Genome position (GRCh38, 1-based): chr2:216,428,745, G>A. VCF-style: chr2-216428745-G-A. GRCh37 (hg19) VCF-style: chr2-217293468-G-A.
Other names: c.1297G>A, p.Val433Met (NM_001127207.2); short protein forms V433M.
Identifiers: ClinVar variation 652582 (VCV000652582.7), dbSNP rs374696042, ClinGen allele CA2097827.